The following is an entry in ClinVar:

NM_001204.7(BMPR2):c.2304G>T (p.Glu768Asp)

Gene: BMPR2 (bone morphogenetic protein receptor type 2; plus strand). Cytogenetic location: 2q33.2.
Variant type: single nucleotide variant.
Coding change: c.2304G>T on transcript NM_001204.7 (MANE Select); coding-DNA position 2304, G replaced by T.
Protein change: p.Glu768Asp; replaces glutamic acid 768 with aspartic acid.
Molecular consequence: missense variant.
Genome position (GRCh38, 1-based): chr2:202,555,969, G>T. VCF-style: chr2-202555969-G-T. GRCh37 (hg19) VCF-style: chr2-203420692-G-T.
Other names: short protein forms E768D.
Identifiers: ClinVar variation 3481354 (VCV003481354.1).

ClinVar aggregate classification (germline): Uncertain significance (1 of 4 stars; one submission).

Conditions:
Inborn genetic diseases. Identifiers: MedGen C0950123, MeSH D030342.

gnomAD v4.1: 1 of 1,614,078 alleles (0.000062%); highest among the groups gnomAD compares: Admixed American, 0.0017%; no homozygotes.

Submission:

Ambry Genetics
Classification: Uncertain significance for Inborn genetic diseases. Last evaluated: 2024-12-08. Review status: criteria provided, single submitter. Criteria: Ambry Variant Classification Scheme 2023. Collection method: clinical testing. Allele origin: germline.
Comment: The p.E768D variant (also known as c.2304G>T), located in coding exon 12 of the BMPR2 gene, results from a G to T substitution at nucleotide position 2304. The glutamic acid at codon 768 is replaced by aspartic acid, an amino acid with highly similar properties. This amino acid position is conserved. In addition, the in silico prediction for this alteration is inconclusive. Based on the available evidence, the clinical significance of this variant remains unclear.